The following is an entry in ClinVar:

ClinVar aggregate classification (germline): Pathogenic (1 of 4 stars; one submission).

Conditions:
Methylmalonic aciduria due to methylmalonyl-CoA mutase deficiency (MAMM). Also called: Methylmalonic aciduria, mut type. Identifiers: Orphanet 27, MedGen C1855114, MONDO:0009612, OMIM 251000.

Submission:

Myriad Genetics, Inc.
Classification: Pathogenic for Methylmalonic aciduria due to methylmalonyl-CoA mutase deficiency. Last evaluated: 2024-08-01. Review status: criteria provided, single submitter. Criteria: Myriad Autosomal Dominant, Autosomal Recessive and X-Linked Classification Criteria (2023). Collection method: clinical testing. Allele origin: unknown.
Comment: NM_000255.3(MMUT):c.636delG(K212Nfs*11) is expected to be pathogenic in the context of methylmalonic acidemia, MMUT-related. This variant is predicted to lead to an abnormal or absent protein product due to the creation of a premature termination codon in MMUT, a gene where loss-of-function variants are known to be pathogenic. Please note: this variant was assessed in the context of healthy population screening.

NM_000255.4(MMUT):c.636del (p.Lys212fs)

Gene: MMUT (methylmalonyl-CoA mutase; minus strand). Cytogenetic location: 6p12.3.
Variant type: Deletion.
Coding change: c.636del on transcript NM_000255.4 (MANE Select); coding-DNA position 636, one base deleted (G; older notation c.636delG).
Protein change: p.Lys212fs; shifts the reading frame from lysine 212.
Molecular consequence: frameshift variant.
Genome position (GRCh38, 1-based): chr6:49,457,808, C deleted on the plus strand (G on the coding strand, the reverse complement: MMUT is on the minus strand). VCF-style (leftmost placement, unchanged base first): chr6-49457807-GC-G. GRCh37 (hg19) VCF-style: chr6-49425520-GC-G.
Other names: short protein forms K212fs.
Identifiers: ClinVar variation 5013395 (VCV005013395.1).
Genomic context (GRCh38, chr6:49,457,807, plus strand): 5'-AAATGTATGTATTTCGAACCATAAATTCCTTTAGTATATCATTTTGGATGGTACCAGTAA[GC>G]TTCTCTTTAGGTACACCTTGTTCTTCTCCAGTTACTATAAAATTTGCAAGAACTGGAATA-3'